The following is an entry in ClinVar:

ClinVar aggregate classification (germline): Uncertain significance. Review status: criteria provided, multiple submitters, no conflicts (2 of 4 stars). 2 submissions from 2 submitters: Uncertain significance (2). Last evaluated 2025-05-21.

Conditions:
Neuroblastoma, susceptibility to, 3. Also called: ALK-Related Neuroblastic Tumor Susceptibility. Identifiers: Orphanet 635, MedGen C2751681, MONDO:0013083, OMIM 613014.
Hereditary cancer-predisposing syndrome. Also called: Hereditary Cancer Syndrome; Neoplastic Syndromes, Hereditary; Tumor predisposition; Hereditary neoplastic syndrome. Identifiers: Orphanet 140162, MedGen C0027672, MeSH D009386, MONDO:0015356.

Submissions (2):

Ambry Genetics
Classification: Uncertain significance for Hereditary cancer-predisposing syndrome. Last evaluated: 2025-05-21. Review status: criteria provided, single submitter. Criteria: Ambry Variant Classification Scheme 2023. Collection method: clinical testing. Allele origin: germline.
Comment: The p.P396T variant (also known as c.1186C>A), located in coding exon 5 of the ALK gene, results from a C to A substitution at nucleotide position 1186. The proline at codon 396 is replaced by threonine, an amino acid with highly similar properties. This amino acid position is conserved. In addition, this alteration is predicted to be tolerated by in silico analysis. Based on the available evidence, the clinical significance of this variant remains unclear.

Labcorp Genetics (formerly Invitae), Labcorp
Classification: Uncertain significance for Neuroblastoma, susceptibility to, 3. Last evaluated: 2025-04-17. Review status: criteria provided, single submitter. Criteria: Invitae Variant Classification Sherloc (09022015). Collection method: clinical testing. Allele origin: germline.
Comment: This sequence change replaces proline, which is neutral and non-polar, with threonine, which is neutral and polar, at codon 396 of the ALK protein (p.Pro396Thr). This variant is not present in population databases (gnomAD no frequency). This variant has not been reported in the literature in individuals affected with ALK-related conditions. ClinVar contains an entry for this variant (Variation ID: 3704639). An algorithm developed to predict the effect of missense changes on protein structure and function (PolyPhen-2) suggests that this variant is likely to be disruptive. In summary, the available evidence is currently insufficient to determine the role of this variant in disease. Therefore, it has been classified as a Variant of Uncertain Significance.

NM_004304.5(ALK):c.1186C>A (p.Pro396Thr)

Gene: ALK (ALK receptor tyrosine kinase; minus strand). Cytogenetic location: 2p23.2.
Variant type: single nucleotide variant.
Coding change: c.1186C>A on transcript NM_004304.5 (MANE Select); coding-DNA position 1186, C replaced by A.
Protein change: p.Pro396Thr; replaces proline 396 with threonine.
Molecular consequence: missense variant.
Genome position (GRCh38, 1-based): chr2:29,383,828, G>T on the plus strand (C>A on the coding strand, the complement: ALK is on the minus strand). VCF-style: chr2-29383828-G-T. GRCh37 (hg19) VCF-style: chr2-29606694-G-T.
Other names: c.1186C>A (NM_004304.4); short protein forms P396T.
Identifiers: ClinVar variation 3704639 (VCV003704639.3).